The following is an entry in ClinVar:

NM_001083962.2(TCF4):c.1705C>T (p.Arg569Trp)

Gene: TCF4 (transcription factor 4; minus strand). Cytogenetic location: 18q21.2.
Variant type: single nucleotide variant.
Coding change: c.1705C>T on transcript NM_001083962.2 (MANE Select); coding-DNA position 1705, C replaced by T.
Protein change: p.Arg569Trp; replaces arginine 569 with tryptophan.
Molecular consequence: missense variant.
Genome position (GRCh38, 1-based): chr18:55,229,021, G>A on the plus strand (C>T on the coding strand, the complement: TCF4 is on the minus strand). VCF-style: chr18-55229021-G-A. GRCh37 (hg19) VCF-style: chr18-52896252-G-A.
Other names: c.1618C>T, p.Arg540Trp (NM_001348220.1, NM_001369584.1, NM_001369585.1); c.1705C>T, p.Arg569Trp (NM_001369567.1, NM_001369568.1); c.1702C>T, p.Arg568Trp (NM_001369569.1, NM_001369570.1, NM_001330604.3); c.1693C>T, p.Arg565Trp (NM_001369571.1, NM_001369572.1, NM_003199.3); c.1690C>T, p.Arg564Trp (NM_001369573.1, NM_001369574.1); c.1633C>T, p.Arg545Trp (NM_001369575.1, NM_001243227.2, NM_001348217.1 and 1 more transcripts); c.2011C>T, p.Arg671Trp (NM_001243226.3); c.1723C>T, p.Arg575Trp (NM_001243228.2); and 14 more; short protein forms R569W, R498W, R523W, R540W, R541W, R353W, R404W, R405W.
Identifiers: ClinVar variation 620020 (VCV000620020.8), dbSNP rs1568305976, ClinGen allele CA402528996.

ClinVar aggregate classification (germline): Pathogenic. Review status: criteria provided, multiple submitters, no conflicts (2 of 4 stars). 2 submissions from 2 submitters: Pathogenic (2). Last evaluated 2025-08-21.

Conditions:
Corneal dystrophy, Fuchs endothelial, 3 (FECD3). Also called: FCD2 LOCUS. Identifiers: Orphanet 98974, MedGen C2750451, MONDO:0013203, OMIM 613267.
Pitt-Hopkins syndrome (PTHS). Also called: ENCEPHALOPATHY, SEVERE EPILEPTIC, WITH AUTONOMIC DYSFUNCTION; MENTAL RETARDATION, SYNDROMAL, WITH INTERMITTENT HYPERVENTILATION. Identifiers: Orphanet 2896, MedGen C1970431, MONDO:0012589, OMIM 610954.

Submissions (2):

Labcorp Genetics (formerly Invitae), Labcorp
Classification: Pathogenic for Pitt-Hopkins syndrome. Last evaluated: 2025-08-21. Review status: criteria provided, single submitter. Criteria: Invitae Variant Classification Sherloc (09022015). Collection method: clinical testing. Allele origin: germline.
Comment: This sequence change replaces arginine, which is basic and polar, with tryptophan, which is neutral and slightly polar, at codon 569 of the TCF4 protein (p.Arg569Trp). This variant is not present in population databases (gnomAD no frequency). This missense change has been observed in individual(s) with Pitt–Hopkins syndrome (PMID: 29695756). In at least one individual the variant was observed to be de novo. ClinVar contains an entry for this variant (Variation ID: 620020). Invitae Evidence Modeling of protein sequence and biophysical properties (such as structural, functional, and spatial information, amino acid conservation, physicochemical variation, residue mobility, and thermodynamic stability) indicates that this missense variant is expected to disrupt TCF4 protein function with a positive predictive value of 95%. Experimental studies have shown that this missense change affects TCF4 function (PMID: 34748727). For these reasons, this variant has been classified as Pathogenic.

Cytogénomique, Hospices Civils de Lyon
Classification: Pathogenic for Corneal dystrophy, Fuchs endothelial, 3; Pitt-Hopkins syndrome. Last evaluated: 2017-03-24. Review status: criteria provided, single submitter. Criteria: ACMG Guidelines, 2015. Collection method: clinical testing. Allele origin: de novo. Inheritance: Autosomal dominant inheritance. Affected: yes.

Literature cited by the submitters: PubMed 29695756 (cited by Labcorp Genetics (formerly Invitae), Labcorp); PubMed 34748727 (cited by Labcorp Genetics (formerly Invitae), Labcorp).